The following is an entry in ClinVar:

NM_020884.7(MYH7B):c.5359G>C (p.Glu1787Gln)

Gene: MYH7B (myosin heavy chain 7B; plus strand). Cytogenetic location: 20q11.22.
Variant type: single nucleotide variant.
Coding change: c.5359G>C on transcript NM_020884.7 (MANE Select); coding-DNA position 5359, G replaced by C.
Protein change: p.Glu1787Gln; replaces glutamic acid 1787 with glutamine.
Molecular consequence: missense variant.
Genome position (GRCh38, 1-based): chr20:35,001,042, G>C. VCF-style: chr20-35001042-G-C. GRCh37 (hg19) VCF-style: chr20-33588845-G-C.
Other names: short protein forms E1787Q.
Identifiers: ClinVar variation 4777894 (VCV004777894.1).

ClinVar aggregate classification (germline): Uncertain significance (1 of 4 stars; one submission).

Submission:

Labcorp Genetics (formerly Invitae), Labcorp
Classification: Uncertain significance. Last evaluated: 2025-04-27. Review status: criteria provided, single submitter. Criteria: Invitae Variant Classification Sherloc (09022015). Collection method: clinical testing. Allele origin: germline.
Comment: This sequence change replaces glutamic acid, which is acidic and polar, with glutamine, which is neutral and polar, at codon 1829 of the MYH7B protein (p.Glu1829Gln). This variant is present in population databases (rs759779329, gnomAD 0.0009%). This variant has not been reported in the literature in individuals affected with MYH7B-related conditions. Invitae Evidence Modeling of protein sequence and biophysical properties (such as structural, functional, and spatial information, amino acid conservation, physicochemical variation, residue mobility, and thermodynamic stability) indicates that this missense variant is not expected to disrupt MYH7B protein function with a negative predictive value of 80%. In summary, the available evidence is currently insufficient to determine the role of this variant in disease. Therefore, it has been classified as a Variant of Uncertain Significance.